The following is an entry in ClinVar:

ClinVar aggregate classification (germline): Uncertain significance (1 of 4 stars; one submission).

Conditions:
TNF receptor-associated periodic fever syndrome (TRAPS) (FPF). Also called: TNF receptor 1-associated periodic fever syndrome; FAMILIAL HIBERNIAN FEVER; TNF Receptor-Associated Periodic Fever Syndrome; TNF RECEPTOR-ASSOCIATED PERIODIC SYNDROME; TUMOR NECROSIS FACTOR RECEPTOR-ASSOCIATED PERIODIC SYNDROME; Autosomal Dominant Familial Periodic Fever. Identifiers: Orphanet 32960, MedGen C1275126, MONDO:0007727, OMIM 142680.

Allele frequency attached by ClinVar (database versions not stated): gnomAD exomes below 0.00001 and 0.00001; gnomAD 0.00001; ExAC 0.00002; TOPMed 0.00002.
gnomAD v4.1: 4 of 1,613,656 alleles (0.00025%); highest among the groups gnomAD compares: African/African-American, 0.004%; no homozygotes.

Submission:

Labcorp Genetics (formerly Invitae), Labcorp
Classification: Uncertain significance for TNF receptor-associated periodic fever syndrome (TRAPS). Last evaluated: 2024-11-05. Review status: criteria provided, single submitter. Criteria: Invitae Variant Classification Sherloc (09022015). Collection method: clinical testing. Allele origin: germline.
Comment: This sequence change replaces glycine, which is neutral and non-polar, with alanine, which is neutral and non-polar, at codon 152 of the TNFRSF1A protein (p.Gly152Ala). This variant is present in population databases (rs762635729, gnomAD 0.01%). This variant has not been reported in the literature in individuals affected with TNFRSF1A-related conditions. ClinVar contains an entry for this variant (Variation ID: 532186). Invitae Evidence Modeling of protein sequence and biophysical properties (such as structural, functional, and spatial information, amino acid conservation, physicochemical variation, residue mobility, and thermodynamic stability) has been performed for this missense variant. However, the output from this modeling did not meet the statistical confidence thresholds required to predict the impact of this variant on TNFRSF1A protein function. In summary, the available evidence is currently insufficient to determine the role of this variant in disease. Therefore, it has been classified as a Variant of Uncertain Significance.

NM_001065.4(TNFRSF1A):c.455G>C (p.Gly152Ala)

Gene: TNFRSF1A (TNF receptor superfamily member 1A; minus strand). Cytogenetic location: 12p13.31.
Variant type: single nucleotide variant.
Coding change: c.455G>C on transcript NM_001065.4 (MANE Select); coding-DNA position 455, G replaced by C.
Protein change: p.Gly152Ala; replaces glycine 152 with alanine.
Molecular consequence: missense variant. On other transcripts: 5 prime UTR variant (1), non-coding transcript variant (1).
Genome position (GRCh38, 1-based): chr12:6,333,384, C>G on the plus strand (G>C on the coding strand, the complement: TNFRSF1A is on the minus strand). VCF-style: chr12-6333384-C-G. GRCh37 (hg19) VCF-style: chr12-6442550-C-G.
Other names: c.131G>C, p.Gly44Ala (NM_001346091.2); c.-123G>C (NM_001346092.2); short protein forms G152A, G44A.
Identifiers: ClinVar variation 532186 (VCV000532186.10), dbSNP rs762635729, ClinGen allele CA6405552.